The following is an entry in ClinVar:

NM_017934.7(PHIP):c.329G>A (p.Arg110His)

Gene: PHIP (PHIP subunit of CUL4-Ring ligase complex; minus strand). Cytogenetic location: 6q14.1.
Variant type: single nucleotide variant.
Coding change: c.329G>A on transcript NM_017934.7 (MANE Select); coding-DNA position 329, G replaced by A.
Protein change: p.Arg110His; replaces arginine 110 with histidine.
Molecular consequence: missense variant.
Genome position (GRCh38, 1-based): chr6:79,060,679, C>T on the plus strand (G>A on the coding strand, the complement: PHIP is on the minus strand). VCF-style: chr6-79060679-C-T. GRCh37 (hg19) VCF-style: chr6-79770396-C-T.
Other names: short protein forms R110H.
Identifiers: ClinVar variation 1301421 (VCV001301421.3), dbSNP rs1562217773, ClinGen allele CA364651199.
Genomic context (GRCh38, chr6:79,060,679, plus strand): 5'-ACAAAAGTGAGATAAATAATGTCTAAATCCTATGAGAAAATTTTCATACTTTTATTTGTG[C>T]GTAGTAAAGACTGTCTTCCAGCTCCTAATAAAGTTTGTACTCCAGGAACACTTTGAGGAA-3'
Protein context (NP_060404.4, residues 100-120): LLGAGRQSLL[Arg110His]TNKSCKHVVW

ClinVar aggregate classification (germline): Pathogenic (1 of 4 stars; one submission).

Allele frequency attached by ClinVar (database versions not stated): gnomAD exomes below 0.00001.
gnomAD v4.1: 2 of 1,610,898 alleles (0.00012%); highest among the groups gnomAD compares: Non-Finnish European, 0.00017%; no homozygotes.

Submission:

GeneDx
Classification: Pathogenic. Last evaluated: 2026-08-07. Review status: criteria provided, single submitter. Criteria: GeneDx Variant Classification Process June 2021. Collection method: clinical testing. Allele origin: germline.
Comment: Not observed at significant frequency in large population cohorts (gnomAD); In silico analysis supports that this missense variant has a deleterious effect on protein structure/function; Has not been previously published as pathogenic or benign to our knowledge